The following is an entry in ClinVar:

ClinVar aggregate classification (germline): Uncertain significance (1 of 4 stars; one submission).

gnomAD v4.1: 2 of 1,576,458 alleles (0.00013%); highest among the groups gnomAD compares: Admixed American, 0.0037%; no homozygotes.

Submission:

Labcorp Genetics (formerly Invitae), Labcorp
Classification: Uncertain significance. Last evaluated: 2024-03-24. Review status: criteria provided, single submitter. Criteria: Invitae Variant Classification Sherloc (09022015). Collection method: clinical testing. Allele origin: germline.
Comment: This sequence change replaces aspartic acid, which is acidic and polar, with alanine, which is neutral and non-polar, at codon 542 of the ZCCHC8 protein (p.Asp542Ala). This variant is not present in population databases (gnomAD no frequency). This variant has not been reported in the literature in individuals affected with ZCCHC8-related conditions. Advanced modeling of protein sequence and biophysical properties (such as structural, functional, and spatial information, amino acid conservation, physicochemical variation, residue mobility, and thermodynamic stability) has been performed at Invitae for this missense variant, however the output from this modeling did not meet the statistical confidence thresholds required to predict the impact of this variant on ZCCHC8 protein function. In summary, the available evidence is currently insufficient to determine the role of this variant in disease. Therefore, it has been classified as a Variant of Uncertain Significance.

NM_017612.5(ZCCHC8):c.1625A>C (p.Asp542Ala)

Gene: ZCCHC8 (zinc finger CCHC-type containing 8; minus strand). Cytogenetic location: 12q24.31.
Variant type: single nucleotide variant.
Coding change: c.1625A>C on transcript NM_017612.5 (MANE Select); coding-DNA position 1625, A replaced by C.
Protein change: p.Asp542Ala; replaces aspartic acid 542 with alanine.
Molecular consequence: missense variant.
Genome position (GRCh38, 1-based): chr12:122,473,996, T>G on the plus strand (A>C on the coding strand, the complement: ZCCHC8 is on the minus strand). VCF-style: chr12-122473996-T-G. GRCh37 (hg19) VCF-style: chr12-122958543-T-G.
Other names: c.1394A>C, p.Asp465Ala (NM_001350935.2); c.1328A>C, p.Asp443Ala (NM_001350936.2); c.911A>C, p.Asp304Ala (NM_001350937.2, NM_001350938.2); short protein forms D304A, D443A, D465A, D542A.
Identifiers: ClinVar variation 3667910 (VCV003667910.2).